The following is an entry in ClinVar:

ClinVar aggregate classification (germline): Benign/Likely benign. Review status: criteria provided, multiple submitters, no conflicts (2 of 4 stars). 9 submissions from 9 submitters: Benign (5); Likely benign (3). 1 of the submissions does not count toward it. Last evaluated 2026-01-12.

Conditions:
COQ8A-related disorder. Also called: COQ8A-related condition.

Allele frequency attached by ClinVar (database versions not stated): ExAC 0.00085; gnomAD 0.00220; TOPMed 0.00253; ESP Exome Variant Server 0.00284; 1000 Genomes Project 0.00379; 1000 Genomes Project 30x 0.00453.
gnomAD v4.1: 789 of 1,614,054 alleles (0.049%); highest among the groups gnomAD compares: African/African-American, 0.91%; 6 homozygotes.

Submissions (9):

Labcorp Genetics (formerly Invitae), Labcorp
Classification: Benign. Last evaluated: 2026-01-12. Review status: criteria provided, single submitter. Criteria: Invitae Variant Classification Sherloc (09022015). Collection method: clinical testing. Allele origin: germline.

CeGaT Center for Human Genetics Tuebingen
Classification: Likely benign. Last evaluated: 2025-04-01. Review status: criteria provided, single submitter. Criteria: CeGaT Center For Human Genetics Tuebingen Variant Classification Criteria Version 2. Collection method: clinical testing. Allele origin: germline. Affected: yes. Observed: 5 variant alleles.
Comment: COQ8A: BP4, BP7

Blueprint Genetics
Classification: Likely benign. Last evaluated: 2024-10-18. Review status: criteria provided, single submitter. Criteria: ACMG Guidelines, 2015. Collection method: clinical testing. Allele origin: germline.

Mayo Clinic Laboratories, Mayo Clinic
Classification: Benign. Last evaluated: 2024-02-01. Review status: criteria provided, single submitter. Criteria: ACMG Guidelines, 2015. Collection method: clinical testing. Allele origin: germline. Observed: 3 variant alleles.
Comment: BS1, BS2, BP4, BP7

Athena Diagnostics
Classification: Benign. Last evaluated: 2017-09-21. Review status: criteria provided, single submitter. Criteria: Athena Diagnostics Criteria. Collection method: clinical testing. Allele origin: germline.

Eurofins Ntd Llc (ga)
Classification: Benign. Last evaluated: 2017-04-17. Review status: criteria provided, single submitter. Criteria: EGL Classification Definitions 2015. Collection method: clinical testing. Allele origin: germline. Observed: 1 variant allele, 1 heterozygote.

GeneDx
Classification: Benign. Last evaluated: 2014-07-07. Review status: criteria provided, single submitter. Criteria: GeneDx Variant Classification (06012015). Collection method: clinical testing. Allele origin: germline. Affected: yes.
Comment: This variant is considered likely benign or benign based on one or more of the following criteria: it is a conservative change, it occurs at a poorly conserved position in the protein, it is predicted to be benign by multiple in silico algorithms, and/or has population frequency not consistent with disease.

Breakthrough Genomics
Classification: Likely benign. Review status: criteria provided, single submitter. Criteria: ACMG Guidelines, 2015. Collection method: not provided. Allele origin: germline. Inheritance: Autosomal recessive inheritance. Affected: yes.

PreventionGenetics, part of Exact Sciences
Classification: Benign for COQ8A-related condition. Last evaluated: 2019-06-27. Review status: no assertion criteria provided. Collection method: clinical testing. Allele origin: germline. Not counted in ClinVar's aggregate classification.
Comment: This variant is classified as benign based on ACMG/AMP sequence variant interpretation guidelines (Richards et al. 2015 PMID: 25741868, with internal and published modifications).

NM_020247.5(COQ8A):c.618G>A (p.Val206=)

Gene: COQ8A (coenzyme Q8A; plus strand). Cytogenetic location: 1q42.13.
Variant type: single nucleotide variant.
Coding change: c.618G>A on transcript NM_020247.5 (MANE Select); coding-DNA position 618, G replaced by A.
Protein change: p.Val206=; no amino-acid change (valine 206 retained).
Molecular consequence: synonymous variant.
Genome position (GRCh38, 1-based): chr1:226,965,700, G>A. VCF-style: chr1-226965700-G-A. GRCh37 (hg19) VCF-style: chr1-227153401-G-A.
Other names: p.V206V:GTG>GTA; p.Val206=.
Identifiers: ClinVar variation 214031 (VCV000214031.56), dbSNP rs115855910, ClinGen allele CA325320.
Genomic context (GRCh38, chr1:226,965,700, plus strand): 5'-TTCCACAGGTCTCTTTCTCGTCTCCCTCCAGCTCAGCGAGCATGCCCGGGAGCGGAAGGT[G>A]CCTGTGACGAGGATTGGCCGGCTGGCCAACTTCGGAGGTAAGGTGGCTGTGTGCCCCTGG-3'
Protein context (NP_064632.2, residues 196-216): TLSEHARERK[Val206=]PVTRIGRLAN